The following is an entry in ClinVar:

NM_000308.4(CTSA):c.632A>T (p.Tyr211Phe)

Gene: CTSA (cathepsin A; plus strand). Cytogenetic location: 20q13.12.
Variant type: single nucleotide variant.
Coding change: c.632A>T on transcript NM_000308.4 (MANE Select); coding-DNA position 632, A replaced by T.
Protein change: p.Tyr211Phe; replaces tyrosine 211 with phenylalanine.
Molecular consequence: missense variant. On other transcripts: non-coding transcript variant (1).
Genome position (GRCh38, 1-based): chr20:45,893,251, A>T. VCF-style: chr20-45893251-A-T. GRCh37 (hg19) VCF-style: chr20-44521890-A-T.
Other names: c.632A>T, p.Tyr211Phe (NM_001127695.3); c.581A>T, p.Tyr194Phe (NM_001167594.3); short protein forms Y194F, Y211F.
Identifiers: ClinVar variation 1987090 (VCV001987090.4), dbSNP rs2515437172, ClinGen allele CA409251095.

ClinVar aggregate classification (germline): Uncertain significance (1 of 4 stars; one submission).

Conditions:
Combined deficiency of sialidase AND beta galactosidase (GSL). Also called: CATHEPSIN A DEFICIENCY; GOLDBERG SYNDROME; NEURAMINIDASE DEFICIENCY WITH BETA-GALACTOSIDASE DEFICIENCY; NEURAMINIDASE/BETA-GALACTOSIDASE EXPRESSION; PPCA DEFICIENCY; PROTECTIVE PROTEIN/CATHEPSIN A DEFICIENCY. Identifiers: Orphanet 351, MedGen C0268233, MONDO:0009737, OMIM 256540.

Submission:

Labcorp Genetics (formerly Invitae), Labcorp
Classification: Uncertain significance for Combined deficiency of sialidase AND beta galactosidase. Last evaluated: 2022-05-11. Review status: criteria provided, single submitter. Criteria: Invitae Variant Classification Sherloc (09022015). Collection method: clinical testing. Allele origin: germline.
Comment: This variant has not been reported in the literature in individuals affected with CTSA-related conditions. In summary, the available evidence is currently insufficient to determine the role of this variant in disease. Therefore, it has been classified as a Variant of Uncertain Significance. Algorithms developed to predict the effect of missense changes on protein structure and function are either unavailable or do not agree on the potential impact of this missense change (SIFT: "Not Available"; PolyPhen-2: "Benign"; Align-GVGD: "Not Available"). This variant is not present in population databases (gnomAD no frequency). This sequence change replaces tyrosine, which is neutral and polar, with phenylalanine, which is neutral and non-polar, at codon 229 of the CTSA protein (p.Tyr229Phe).